The following is an entry in ClinVar:

NM_002884.4(RAP1A):c.552C>T (p.Leu184=)

Gene: RAP1A (RAP1A, member of RAS oncogene family; plus strand). Cytogenetic location: 1p13.2.
Variant type: single nucleotide variant.
Coding change: c.552C>T on transcript NM_002884.4 (MANE Select); coding-DNA position 552, C replaced by T.
Protein change: p.Leu184=; no amino-acid change (leucine 184 retained).
Molecular consequence: synonymous variant.
Genome position (GRCh38, 1-based): chr1:111,709,232, C>T. VCF-style: chr1-111709232-C-T. GRCh37 (hg19) VCF-style: chr1-112251854-C-T.
Other names: c.552C>T, p.Leu184= (NM_001010935.3, NM_001291896.3, NM_001370216.2 and 2 more transcripts).
Identifiers: ClinVar variation 735795 (VCV000735795.27), dbSNP rs147771787, ClinGen allele CA1006392.

ClinVar aggregate classification (germline): Likely benign. Review status: criteria provided, multiple submitters, no conflicts (2 of 4 stars). 3 submissions from 3 submitters: Likely benign (3). Last evaluated 2024-09-23.

Allele frequency attached by ClinVar (database versions not stated): ESP Exome Variant Server 0.00054; TOPMed 0.00062; gnomAD 0.00065 and 0.00066; ExAC 0.00086.
gnomAD v4.1: 1,102 of 1,610,554 alleles (0.068%); highest among the groups gnomAD compares: South Asian, 0.06%; 7 homozygotes.

Submissions (3):

Blueprint Genetics
Classification: Likely benign. Last evaluated: 2024-09-23. Review status: criteria provided, single submitter. Criteria: ACMG Guidelines, 2015. Collection method: clinical testing. Allele origin: germline.

CeGaT Center for Human Genetics Tuebingen
Classification: Likely benign. Last evaluated: 2024-01-01. Review status: criteria provided, single submitter. Criteria: CeGaT Center For Human Genetics Tuebingen Variant Classification Criteria Version 2. Collection method: clinical testing. Allele origin: germline. Affected: yes. Observed: 1 variant allele.
Comment: RAP1A: BP4, BP7

Labcorp Genetics (formerly Invitae), Labcorp
Classification: Likely benign. Last evaluated: 2019-12-31. Review status: criteria provided, single submitter. Criteria: Invitae Variant Classification Sherloc (09022015). Collection method: clinical testing. Allele origin: germline.